The following is an entry in ClinVar:

NM_000214.3(JAG1):c.586T>C (p.Cys196Arg)

Gene: JAG1 (jagged canonical Notch ligand 1; minus strand). Cytogenetic location: 20p12.2.
Variant type: single nucleotide variant.
Coding change: c.586T>C on transcript NM_000214.3 (MANE Select); coding-DNA position 586, T replaced by C.
Protein change: p.Cys196Arg; replaces cysteine 196 with arginine.
Molecular consequence: missense variant.
Genome position (GRCh38, 1-based): chr20:10,658,576, A>G on the plus strand (T>C on the coding strand, the complement: JAG1 is on the minus strand). VCF-style: chr20-10658576-A-G. GRCh37 (hg19) VCF-style: chr20-10639224-A-G.
Other names: short protein forms C196R.
Identifiers: ClinVar variation 3573340 (VCV003573340.2).

Conditions:
Arteriohepatic dysplasia. Also called: Alagille Syndrome. Identifiers: Orphanet 52, MedGen C0085280, MeSH D016738, MONDO:0007318.

Submission:

Gilbert/Spinner Lab, Children's Hospital of Philadelphia
No classification provided (evidence only). Condition: Alagille syndrome. Review status: no classification provided. Collection method: research. Allele origin: not applicable. Functional consequence: functionally_abnormal.
ClinVar note: "not provided" was previously submitted as the classification for the variant. However, the classification appeared to be based only on an observation of functional data so it was converted to no classification on 2025-07-30.